The following is an entry in ClinVar:

NM_198506.5(LRIT3):c.1526C>A (p.Thr509Asn)

Gene: LRIT3 (leucine rich repeat, Ig-like and transmembrane domains 3; plus strand). Cytogenetic location: 4q25.
Variant type: single nucleotide variant.
Coding change: c.1526C>A on transcript NM_198506.5 (MANE Select); coding-DNA position 1526, C replaced by A.
Protein change: p.Thr509Asn; replaces threonine 509 with asparagine.
Molecular consequence: missense variant.
Genome position (GRCh38, 1-based): chr4:109,870,275, C>A. VCF-style: chr4-109870275-C-A. GRCh37 (hg19) VCF-style: chr4-110791431-C-A.
Other names: short protein forms T509N.
Identifiers: ClinVar variation 1359251 (VCV001359251.7), dbSNP rs2125901693, ClinGen allele CA357871734.

ClinVar aggregate classification (germline): Uncertain significance. Review status: criteria provided, multiple submitters, no conflicts (2 of 4 stars). 2 submissions from 2 submitters: Uncertain significance (2). Last evaluated 2021-11-06.

Allele frequency attached by ClinVar (database versions not stated): gnomAD exomes below 0.00001.

Submissions (2):

Labcorp Genetics (formerly Invitae), Labcorp
Classification: Uncertain significance. Last evaluated: 2021-11-06. Review status: criteria provided, single submitter. Criteria: Invitae Variant Classification Sherloc (09022015). Collection method: clinical testing. Allele origin: germline.
Comment: This variant is not present in population databases (gnomAD no frequency). This sequence change replaces threonine, which is neutral and polar, with asparagine, which is neutral and polar, at codon 509 of the LRIT3 protein (p.Thr509Asn). This variant has not been reported in the literature in individuals affected with LRIT3-related conditions. In summary, the available evidence is currently insufficient to determine the role of this variant in disease. Therefore, it has been classified as a Variant of Uncertain Significance. Algorithms developed to predict the effect of missense changes on protein structure and function are either unavailable or do not agree on the potential impact of this missense change (SIFT: "Deleterious"; PolyPhen-2: "Benign"; Align-GVGD: "Class C0").

Blueprint Genetics
Classification: Uncertain significance. Last evaluated: 2019-04-15. Review status: criteria provided, single submitter. Criteria: ACMG Guidelines, 2015. Collection method: clinical testing. Allele origin: germline.